The following is an entry in ClinVar:

NM_001369.3(DNAH5):c.3127A>G (p.Ser1043Gly)

Genes: DNAH5 (dynein axonemal heavy chain 5; minus strand), DNAH5-AS1 (DNAH5 antisense RNA 1; plus strand). Cytogenetic location: 5p15.2.
Variant type: single nucleotide variant.
Coding change: c.3127A>G on transcript NM_001369.3 (MANE Select); coding-DNA position 3127, A replaced by G.
Protein change: p.Ser1043Gly; replaces serine 1043 with glycine.
Molecular consequence: missense variant.
Genome position (GRCh38, 1-based): chr5:13,882,951, T>C on the plus strand (A>G on the coding strand, the complement: DNAH5 is on the minus strand). VCF-style: chr5-13882951-T-C. GRCh37 (hg19) VCF-style: chr5-13883060-T-C.
Other names: short protein forms S1043G.
Identifiers: ClinVar variation 963884 (VCV000963884.6), dbSNP rs1771881510, ClinGen allele CA359192973.

ClinVar aggregate classification (germline): Uncertain significance (1 of 4 stars; one submission).

Conditions:
Primary ciliary dyskinesia. Also called: Ciliary dyskinesia. Identifiers: Orphanet 244, MedGen C0008780, MONDO:0016575, HP:0012265.

Submission:

Labcorp Genetics (formerly Invitae), Labcorp
Classification: Uncertain significance for Primary ciliary dyskinesia. Last evaluated: 2021-08-31. Review status: criteria provided, single submitter. Criteria: Invitae Variant Classification Sherloc (09022015). Collection method: clinical testing. Allele origin: germline.
Comment: This sequence change replaces serine with glycine at codon 1043 of the DNAH5 protein (p.Ser1043Gly). The serine residue is weakly conserved and there is a small physicochemical difference between serine and glycine. This variant is not present in population databases (ExAC no frequency). This variant has not been reported in the literature in individuals affected with DNAH5-related conditions. Algorithms developed to predict the effect of missense changes on protein structure and function (SIFT, PolyPhen-2, Align-GVGD) all suggest that this variant is likely to be tolerated. In summary, the available evidence is currently insufficient to determine the role of this variant in disease. Therefore, it has been classified as a Variant of Uncertain Significance.